The following is an entry in ClinVar:

NM_000302.4(PLOD1):c.1711G>T (p.Glu571Ter)

Gene: PLOD1 (procollagen-lysine,2-oxoglutarate 5-dioxygenase 1; plus strand). Cytogenetic location: 1p36.22.
Variant type: single nucleotide variant.
Coding change: c.1711G>T on transcript NM_000302.4 (MANE Select); coding-DNA position 1711, G replaced by T.
Protein change: p.Glu571Ter; replaces glutamic acid 571 with a stop codon.
Molecular consequence: nonsense.
Genome position (GRCh38, 1-based): chr1:11,967,047, G>T. VCF-style: chr1-11967047-G-T. GRCh37 (hg19) VCF-style: chr1-12027104-G-T.
Other names: c.1852G>T, p.Glu618Ter (NM_001316320.2); short protein forms E618*, E571*.
Identifiers: ClinVar variation 2089294 (VCV002089294.4), dbSNP rs2522862314, ClinGen allele CA338447661.

ClinVar aggregate classification (germline): Pathogenic (1 of 4 stars; one submission).

Conditions:
Ehlers-Danlos syndrome, kyphoscoliotic type 1 (EDSKSCL1). Also called: PLOD1-Related Kyphoscoliotic Ehlers-Danlos Syndrome; Ehlers-Danlos syndrome, hydroxylysine-deficient; EHLERS-DANLOS SYNDROME, OCULAR-SCOLIOTIC TYPE; EHLERS-DANLOS SYNDROME, TYPE VIA. Identifiers: Orphanet 1900, MedGen C0268342, MONDO:0016002, OMIM 225400. Disease mechanism: loss of function.

Submission:

Labcorp Genetics (formerly Invitae), Labcorp
Classification: Pathogenic for Ehlers-Danlos syndrome, kyphoscoliotic type 1. Last evaluated: 2022-01-23. Review status: criteria provided, single submitter. Criteria: Invitae Variant Classification Sherloc (09022015). Collection method: clinical testing. Allele origin: germline.
Comment: For these reasons, this variant has been classified as Pathogenic. This variant has not been reported in the literature in individuals affected with PLOD1-related conditions. This variant is not present in population databases (gnomAD no frequency). This sequence change creates a premature translational stop signal (p.Glu571*) in the PLOD1 gene. It is expected to result in an absent or disrupted protein product. Loss-of-function variants in PLOD1 are known to be pathogenic (PMID: 10874315, 21699693).

Literature cited by the submitters: PubMed 10874315; PubMed 21699693.